The following is an entry in ClinVar:

NM_000540.3(RYR1):c.3382-3C>T

Gene: RYR1 (ryanodine receptor 1; plus strand). Cytogenetic location: 19q13.2.
Variant type: single nucleotide variant.
Coding change: c.3382-3C>T on transcript NM_000540.3 (MANE Select); 3 bases into the intron before coding-DNA position 3382, C replaced by T.
Molecular consequence: intron variant.
Genome position (GRCh38, 1-based): chr19:38,468,963, C>T. VCF-style: chr19-38468963-C-T. GRCh37 (hg19) VCF-style: chr19-38959603-C-T.
Other names: c.3382-3C>T (NM_001042723.2).
Identifiers: ClinVar variation 2871494 (VCV002871494.3), dbSNP rs2514112428, ClinGen allele CA2584896410.

ClinVar aggregate classification (germline): Uncertain significance (1 of 4 stars; one submission).

Conditions:
RYR1-related disorder. Also called: RYR1-related condition; RYR1-related disorders. Identifiers: MedGen CN239331.

gnomAD v4.1: 1 of 1,614,092 alleles (0.000062%); no homozygotes.

Submission:

Labcorp Genetics (formerly Invitae), Labcorp
Classification: Uncertain significance for RYR1-related disorder. Last evaluated: 2023-10-05. Review status: criteria provided, single submitter. Criteria: Invitae Variant Classification Sherloc (09022015). Collection method: clinical testing. Allele origin: germline.
Comment: This sequence change falls in intron 25 of the RYR1 gene. It does not directly change the encoded amino acid sequence of the RYR1 protein. It affects a nucleotide within the consensus splice site. This variant is not present in population databases (gnomAD no frequency). This variant has not been reported in the literature in individuals affected with RYR1-related conditions. Variants that disrupt the consensus splice site are a relatively common cause of aberrant splicing (PMID: 17576681, 9536098). Algorithms developed to predict the effect of sequence changes on RNA splicing suggest that this variant is not likely to affect RNA splicing. In summary, the available evidence is currently insufficient to determine the role of this variant in disease. Therefore, it has been classified as a Variant of Uncertain Significance.

Literature cited by the submitters: PubMed 17576681; PubMed 9536098.